The following is an entry in ClinVar:

NM_020686.6(ABAT):c.684G>A (p.Thr228=)

Gene: ABAT (4-aminobutyrate aminotransferase; plus strand). Cytogenetic location: 16p13.2.
Variant type: single nucleotide variant.
Coding change: c.684G>A on transcript NM_020686.6 (MANE Select); coding-DNA position 684, G replaced by A.
Protein change: p.Thr228=; no amino-acid change (threonine 228 retained).
Molecular consequence: synonymous variant.
Genome position (GRCh38, 1-based): chr16:8,768,841, G>A. VCF-style: chr16-8768841-G-A. GRCh37 (hg19) VCF-style: chr16-8862698-G-A.
Other names: c.684G>A, p.Thr228= (NM_000663.5, NM_001127448.2, NM_001386600.1 and 7 more transcripts); c.621G>A, p.Thr207= (NM_001386606.1, NM_001386607.1); c.591G>A, p.Thr197= (NM_001386608.1); c.549G>A, p.Thr183= (NM_001386610.1, NM_001386611.1); c.486G>A, p.Thr162= (NM_001386612.1, NM_001386613.1); c.438G>A, p.Thr146= (NM_001386614.1); c.780G>A, p.Thr260= (NM_001386615.1).
Identifiers: ClinVar variation 193917 (VCV000193917.20), dbSNP rs148143485, ClinGen allele CA200848.

ClinVar aggregate classification (germline): Benign. Review status: criteria provided, multiple submitters, no conflicts (2 of 4 stars). 4 submissions from 4 submitters: Benign (4). Last evaluated 2026-01-24.

Conditions:
Gamma-aminobutyric acid transaminase deficiency (GABATD). Also called: GABA aminotransaminase deficiency; GABA transaminase deficiency; Gamma aminobutyrate transaminase deficiency; 4 alpha aminobutyrate transaminase deficiency. Identifiers: Orphanet 2066, MedGen C0342708, MONDO:0013166, OMIM 613163.

Allele frequency attached by ClinVar (database versions not stated): gnomAD 0.00030 and 0.00090; TOPMed 0.00054; ESP Exome Variant Server 0.00077; gnomAD exomes 0.00140 and 0.00296; ExAC 0.00307; 1000 Genomes Project 0.00399; 1000 Genomes Project 30x 0.00422.
gnomAD v4.1: 2,209 of 1,614,148 alleles (0.14%); highest among the groups gnomAD compares: South Asian, 2%; 36 homozygotes.

Submissions (4):

Labcorp Genetics (formerly Invitae), Labcorp
Classification: Benign for Gamma-aminobutyric acid transaminase deficiency. Last evaluated: 2026-01-24. Review status: criteria provided, single submitter. Criteria: Invitae Variant Classification Sherloc (09022015). Collection method: clinical testing. Allele origin: germline.

Athena Diagnostics
Classification: Benign. Last evaluated: 2019-10-23. Review status: criteria provided, single submitter. Criteria: Athena Diagnostics Criteria. Collection method: clinical testing. Allele origin: unknown.

Illumina Laboratory Services, Illumina
Classification: Benign for Gamma-aminobutyric acid transaminase deficiency. Last evaluated: 2018-01-12. Review status: criteria provided, single submitter. Criteria: ICSL Variant Classification Criteria 13 December 2019. Collection method: clinical testing. Allele origin: germline.
Comment: This variant was observed in the ICSL laboratory as part of a predisposition screen in an ostensibly healthy population. It had not been previously curated by ICSL or reported in the Human Gene Mutation Database (HGMD: prior to June 1st, 2018), and was therefore a candidate for classification through an automated scoring system. Utilizing variant allele frequency, disease prevalence and penetrance estimates, and inheritance mode, an automated score was calculated to assess if this variant is too frequent to cause the disease. Based on the score and internal cut-off values, a variant classified as benign is not then subjected to further curation. The score for this variant resulted in a classification of benign for this disease.

Eurofins Ntd Llc (ga)
Classification: Benign. Last evaluated: 2015-03-19. Review status: criteria provided, single submitter. Criteria: EGL Classification Definitions 2015. Collection method: clinical testing. Allele origin: germline. Observed: 1 variant allele, 1 heterozygote.